The following is an entry in ClinVar:

ClinVar aggregate classification (germline): Benign. Review status: criteria provided, multiple submitters, no conflicts (2 of 4 stars). 10 submissions from 10 submitters: Benign (8). 2 of the submissions do not count toward it. Last evaluated 2026-02-04.

Conditions:
Polycystic kidney disease 4 (PKD4). Also called: POLYCYSTIC KIDNEY AND HEPATIC DISEASE 1; POLYCYSTIC KIDNEY DISEASE, INFANTILE, TYPE I; POLYCYSTIC KIDNEY DISEASE 4 WITH OR WITHOUT POLYCYSTIC LIVER DISEASE; PKD3; Autosomal Recessive Polycystic Kidney Disease – PKHD1. Identifiers: MedGen C4540575, MONDO:0033004, OMIM 263200.
Autosomal recessive polycystic kidney disease (ARPKD). Also called: AR polycystic kidney disease. Identifiers: Orphanet 731, Orphanet 8378, MedGen C0085548, MeSH D017044, MONDO:0009889.
Polycystic kidney disease. Also called: Kidney, Polycystic; Polycystic kidney dysplasia. Identifiers: MedGen C0022680, MeSH D007690, MONDO:0020642, HP:0000113.

Allele frequency attached by ClinVar (database versions not stated): gnomAD exomes 0.25387 and 0.28270; ExAC 0.28441; TOPMed 0.29561; ESP Exome Variant Server 0.29571; gnomAD 0.29769 and 0.30083; 1000 Genomes Project 30x 0.35290; 1000 Genomes Project 0.35443.
gnomAD v4.1: 417,544 of 1,612,848 alleles (26%); highest among the groups gnomAD compares: East Asian, 44%; 56,908 homozygotes.

Submissions (10):

Labcorp Genetics (formerly Invitae), Labcorp
Classification: Benign for Autosomal recessive polycystic kidney disease. Last evaluated: 2026-02-04. Review status: criteria provided, single submitter. Criteria: Invitae Variant Classification Sherloc (09022015). Collection method: clinical testing. Allele origin: germline.

Blueprint Genetics
Classification: Benign. Last evaluated: 2024-11-27. Review status: criteria provided, single submitter. Criteria: ACMG Guidelines, 2015. Collection method: clinical testing. Allele origin: germline.

Mayo Clinic Laboratories, Mayo Clinic
Classification: Benign. Last evaluated: 2022-03-09. Review status: criteria provided, single submitter. Criteria: ACMG Guidelines, 2015. Collection method: clinical testing. Allele origin: germline. Observed: 356 variant alleles.

Pars Genome Lab
Classification: Benign for Polycystic kidney disease 4. Last evaluated: 2021-06-19. Review status: criteria provided, single submitter. Criteria: ACMG Guidelines, 2015. Collection method: clinical testing. Allele origin: germline. Affected: no.

GeneDx
Classification: Benign. Last evaluated: 2019-09-04. Review status: criteria provided, single submitter. Criteria: GeneDx Variant Classification Process June 2021. Collection method: clinical testing. Allele origin: germline. Affected: yes.
Comment: This variant is associated with the following publications: (PMID: 21790888, 25153916)

Illumina Laboratory Services, Illumina
Classification: Benign for Polycystic kidney disease 4. Last evaluated: 2018-01-13. Review status: criteria provided, single submitter. Criteria: ICSL Variant Classification Criteria 13 December 2019. Collection method: clinical testing. Allele origin: germline.
Comment: This variant was observed in the ICSL laboratory as part of a predisposition screen in an ostensibly healthy population. It had not been previously curated by ICSL or reported in the Human Gene Mutation Database (HGMD: prior to June 1st, 2018), and was therefore a candidate for classification through an automated scoring system. Utilizing variant allele frequency, disease prevalence and penetrance estimates, and inheritance mode, an automated score was calculated to assess if this variant is too frequent to cause the disease. Based on the score and internal cut-off values, a variant classified as benign is not then subjected to further curation. The score for this variant resulted in a classification of benign for this disease.

Eurofins Ntd Llc (ga)
Classification: Benign. Last evaluated: 2016-02-04. Review status: criteria provided, single submitter. Criteria: EGL Classification Definitions 2015. Collection method: clinical testing. Allele origin: germline. Observed: 87 variant alleles, 73 heterozygotes, 14 homozygotes.

PreventionGenetics, part of Exact Sciences
Classification: Benign. Review status: criteria provided, single submitter. Criteria: ACMG Guidelines, 2015. Collection method: clinical testing. Allele origin: germline.

Natera, Inc.
Classification: Benign for Autosomal recessive polycystic kidney disease. Last evaluated: 2017-05-11. Review status: no assertion criteria provided. Collection method: clinical testing. Allele origin: germline. Not counted in ClinVar's aggregate classification.

Department of Pathology and Laboratory Medicine, Sinai Health System
Classification: Benign for Polycystic Kidney disease. Review status: no assertion criteria provided. Collection method: clinical testing. Allele origin: unknown. Affected: yes. Study: The Canadian Open Genetics Repository (COGR). Not counted in ClinVar's aggregate classification.
Comment: The c.234C>T, p.Asp78Asp variant was identified in 27.44% of 34517 control alleles in the Exome Aggregation Consortium (March 14, 2016). According to ACMG guidelines for variant classification based on allele frequency, category BA1, this variant is considered benign and has not been further reviewed (Richards 2015).

NM_138694.4(PKHD1):c.234C>T (p.Asp78=)

Gene: PKHD1 (PKHD1 ciliary IPT domain containing fibrocystin/polyductin; minus strand). Cytogenetic location: 6p12.2.
Variant type: single nucleotide variant.
Coding change: c.234C>T on transcript NM_138694.4 (MANE Select); coding-DNA position 234, C replaced by T.
Protein change: p.Asp78=; no amino-acid change (aspartic acid 78 retained).
Molecular consequence: synonymous variant.
Genome position (GRCh38, 1-based): chr6:52,082,439, G>A on the plus strand (C>T on the coding strand, the complement: PKHD1 is on the minus strand). VCF-style: chr6-52082439-G-A. GRCh37 (hg19) VCF-style: chr6-51947237-G-A.
Other names: p.Asp78=; c.234C>T, p.Asp78= (NM_170724.3).
Identifiers: ClinVar variation 96388 (VCV000096388.31), dbSNP rs9474143, ClinGen allele CA149504.